The following is an entry in ClinVar:

ClinVar aggregate classification (germline): Uncertain significance. Review status: criteria provided, multiple submitters, no conflicts (2 of 4 stars). 2 submissions from 2 submitters: Uncertain significance (2). Last evaluated 2024-10-31.

Conditions:
Emery-Dreifuss muscular dystrophy 5, autosomal dominant (EDMD5). Also called: EMERY-DREIFUSS MUSCULAR DYSTROPHY 5. Identifiers: Orphanet 261, MedGen C2751805, MONDO:0013072, OMIM 612999.

Allele frequency attached by ClinVar (database versions not stated): ExAC 0.00002; TOPMed 0.00003; 1000 Genomes Project 0.00020; 1000 Genomes Project 30x 0.00031.
gnomAD v4.1: 28 of 1,614,072 alleles (0.0017%); highest among the groups gnomAD compares: Middle Eastern, 0.017%; no homozygotes.

Submissions (2):

Ambry Genetics
Classification: Uncertain significance. Last evaluated: 2024-10-31. Review status: criteria provided, single submitter. Criteria: Ambry Variant Classification Scheme 2023. Collection method: clinical testing. Allele origin: germline.

Labcorp Genetics (formerly Invitae), Labcorp
Classification: Uncertain significance for Emery-Dreifuss muscular dystrophy 5, autosomal dominant. Last evaluated: 2022-08-23. Review status: criteria provided, single submitter. Criteria: Invitae Variant Classification Sherloc (09022015). Collection method: clinical testing. Allele origin: germline.
Comment: This variant has not been reported in the literature in individuals affected with SYNE2-related conditions. This sequence change replaces arginine, which is basic and polar, with glutamine, which is neutral and polar, at codon 5689 of the SYNE2 protein (p.Arg5689Gln). This variant is present in population databases (rs574093957, gnomAD 0.02%). ClinVar contains an entry for this variant (Variation ID: 1496740). Algorithms developed to predict the effect of missense changes on protein structure and function output the following: SIFT: "Tolerated"; PolyPhen-2: "Benign"; Align-GVGD: "Class C0". The glutamine amino acid residue is found in multiple mammalian species, which suggests that this missense change does not adversely affect protein function. In summary, the available evidence is currently insufficient to determine the role of this variant in disease. Therefore, it has been classified as a Variant of Uncertain Significance.

NM_182914.3(SYNE2):c.17066G>A (p.Arg5689Gln)

Gene: SYNE2 (spectrin repeat containing nuclear envelope protein 2; plus strand). Cytogenetic location: 14q23.2.
Variant type: single nucleotide variant.
Coding change: c.17066G>A on transcript NM_182914.3 (MANE Select); coding-DNA position 17066, G replaced by A.
Protein change: p.Arg5689Gln; replaces arginine 5689 with glutamine.
Molecular consequence: missense variant.
Genome position (GRCh38, 1-based): chr14:64,170,293, G>A. VCF-style: chr14-64170293-G-A. GRCh37 (hg19) VCF-style: chr14-64637011-G-A.
Other names: c.17066G>A, p.Arg5689Gln (NM_015180.6); c.17066G>A (NM_182914.2); short protein forms R5689Q.
Identifiers: ClinVar variation 1496740 (VCV001496740.8), dbSNP rs574093957, ClinGen allele CA7223590.